The following is an entry in ClinVar:

ClinVar aggregate classification (germline): Uncertain significance (1 of 4 stars; one submission).

Allele frequency attached by ClinVar (database versions not stated): gnomAD exomes below 0.00001 and 0.00001.
gnomAD v4.1: 1 of 1,511,936 alleles (0.000066%); highest among the groups gnomAD compares: Non-Finnish European, 0.000089%; no homozygotes.

Submission:

Labcorp Genetics (formerly Invitae), Labcorp
Classification: Uncertain significance. Last evaluated: 2022-07-19. Review status: criteria provided, single submitter. Criteria: Invitae Variant Classification Sherloc (09022015). Collection method: clinical testing. Allele origin: germline.
Comment: This sequence change replaces asparagine, which is neutral and polar, with lysine, which is basic and polar, at codon 441 of the RXYLT1 protein (p.Asn441Lys). The frequency data for this variant in the population databases is considered unreliable, as metrics indicate poor data quality at this position in the gnomAD database. This variant has not been reported in the literature in individuals affected with RXYLT1-related conditions. ClinVar contains an entry for this variant (Variation ID: 1385512). Algorithms developed to predict the effect of missense changes on protein structure and function are either unavailable or do not agree on the potential impact of this missense change (SIFT: "Deleterious"; PolyPhen-2: "Benign"; Align-GVGD: "Class C0"). In summary, the available evidence is currently insufficient to determine the role of this variant in disease. Therefore, it has been classified as a Variant of Uncertain Significance.

NM_014254.3(RXYLT1):c.1323T>A (p.Asn441Lys)

Genes: RXYLT1 (ribitol xylosyltransferase 1; plus strand), RXYLT1-AS1 (RXYLT1 antisense RNA 1; minus strand). Cytogenetic location: 12q14.2.
Variant type: single nucleotide variant.
Coding change: c.1323T>A on transcript NM_014254.3 (MANE Select); coding-DNA position 1323, T replaced by A.
Protein change: p.Asn441Lys; replaces asparagine 441 with lysine.
Molecular consequence: missense variant.
Genome position (GRCh38, 1-based): chr12:63,809,083, T>A. VCF-style: chr12-63809083-T-A. GRCh37 (hg19) VCF-style: chr12-64202863-T-A.
Other names: c.543T>A, p.Asn181Lys (NM_001278237.2); short protein forms N441K, N181K.
Identifiers: ClinVar variation 1385512 (VCV001385512.5), dbSNP rs1431795888, ClinGen allele CA385660692.